The following is an entry in ClinVar:

NM_170784.3(MKKS):c.206T>C (p.Val69Ala)

Gene: MKKS (MKKS centrosomal shuttling protein; minus strand). Cytogenetic location: 20p12.2.
Variant type: single nucleotide variant.
Coding change: c.206T>C on transcript NM_170784.3 (MANE Select); coding-DNA position 206, T replaced by C.
Protein change: p.Val69Ala; replaces valine 69 with alanine.
Molecular consequence: missense variant.
Genome position (GRCh38, 1-based): chr20:10,413,309, A>G on the plus strand (T>C on the coding strand, the complement: MKKS is on the minus strand). VCF-style: chr20-10413309-A-G. GRCh37 (hg19) VCF-style: chr20-10393957-A-G.
Other names: c.206T>C, p.Val69Ala (NM_018848.3); short protein forms V69A.
Identifiers: ClinVar variation 3587050 (VCV003587050.2).

ClinVar aggregate classification (germline): Uncertain significance. Review status: criteria provided, multiple submitters, no conflicts (2 of 4 stars). 2 submissions from 2 submitters: Uncertain significance (2). Last evaluated 2025-07-15.

Conditions:
McKusick-Kaufman syndrome (MKKS). Also called: HYDROMETROCOLPOS SYNDROME; HYDROMETROCOLPOS, POSTAXIAL POLYDACTYLY, AND CONGENITAL HEART MALFORMATION. Identifiers: Orphanet 2473, MedGen C0948368, MONDO:0009367, OMIM 236700.
Bardet-Biedl syndrome 6 (BBS6). Identifiers: Orphanet 110, MedGen C1858054, MONDO:0011523, OMIM 605231.
MKKS-related disorder. Also called: MKKS-related condition; MKKS-related disorders.

gnomAD v4.1: 4 of 1,614,188 alleles (0.00025%); highest among the groups gnomAD compares: South Asian, 0.0011%; no homozygotes.

Submissions (2):

PreventionGenetics, part of Exact Sciences
Classification: Uncertain significance for MKKS-related condition. Last evaluated: 2025-07-15. Review status: criteria provided, single submitter. Criteria: ACMG Guidelines, 2015. Collection method: clinical testing. Allele origin: germline.
Comment: The MKKS c.206T>C variant is predicted to result in the amino acid substitution p.Val69Ala. To our knowledge, this variant has not been reported in the literature or in a large population database (gnomAD), indicating this variant is rare. At this time, the clinical significance of this variant is uncertain due to the absence of conclusive functional and genetic evidence.

Fulgent Genetics
Classification: Uncertain significance for McKusick-Kaufman syndrome; Bardet-Biedl syndrome 6. Last evaluated: 2024-02-19. Review status: criteria provided, single submitter. Criteria: ACMG Guidelines, 2015. Collection method: clinical testing. Allele origin: germline.